The following is an entry in ClinVar:

NM_019008.6(MIEF1):c.548A>T (p.Asp183Val)

Gene: MIEF1 (mitochondrial elongation factor 1; plus strand). Cytogenetic location: 22q13.1.
Variant type: single nucleotide variant.
Coding change: c.548A>T on transcript NM_019008.6 (MANE Select); coding-DNA position 548, A replaced by T.
Protein change: p.Asp183Val; replaces aspartic acid 183 with valine.
Molecular consequence: missense variant. On other transcripts: non-coding transcript variant (2).
Genome position (GRCh38, 1-based): chr22:39,512,457, A>T. VCF-style: chr22-39512457-A-T. GRCh37 (hg19) VCF-style: chr22-39908462-A-T.
Other names: c.548A>T (NM_001304564.1); c.548A>T, p.Asp183Val (NM_001304564.2); short protein forms D183V.
Identifiers: ClinVar variation 3873026 (VCV003873026.2).

ClinVar aggregate classification (germline): Uncertain significance. Review status: criteria provided, multiple submitters, no conflicts (2 of 4 stars). 2 submissions from 2 submitters: Uncertain significance (2). Last evaluated 2025-11-18.

Conditions:
MIEF1-related condition.

gnomAD v4.1: 17 of 1,613,822 alleles (0.0011%); highest among the groups gnomAD compares: Non-Finnish European, 0.0014%; no homozygotes.

Submissions (2):

PreventionGenetics, part of Exact Sciences
Classification: Uncertain significance for MIEF1-related condition. Last evaluated: 2025-11-18. Review status: criteria provided, single submitter. Criteria: ACMG Guidelines, 2015. Collection method: clinical testing. Allele origin: germline.
Comment: The MIEF1 c.548A>T variant is predicted to result in the amino acid substitution p.Asp183Val. To our knowledge, this variant has not been reported in the literature. This variant is present in 0.0016% of alleles in individuals of European (Non-Finnish) descent in gnomAD. At this time, the clinical significance of this variant is uncertain due to the absence of conclusive functional and genetic evidence.

Ambry Genetics
Classification: Uncertain significance. Last evaluated: 2025-01-16. Review status: criteria provided, single submitter. Criteria: Ambry Variant Classification Scheme 2023. Collection method: clinical testing. Allele origin: germline.